The following is an entry in ClinVar:

NM_001128425.2(MUTYH):c.190G>A (p.Ala64Thr)

Gene: MUTYH (mutY DNA glycosylase; minus strand). Cytogenetic location: 1p34.1.
Variant type: single nucleotide variant.
Coding change: c.190G>A on transcript NM_001128425.2 (MANE Plus Clinical); coding-DNA position 190, G replaced by A.
Protein change: p.Ala64Thr; replaces alanine 64 with threonine.
Molecular consequence: missense variant. On other transcripts: intron variant (10).
Genome position (GRCh38, 1-based): chr1:45,333,571, C>T on the plus strand (G>A on the coding strand, the complement: MUTYH is on the minus strand). VCF-style: chr1-45333571-C-T. GRCh37 (hg19) VCF-style: chr1-45799243-C-T.
Other names: c.139G>A, p.Ala47Thr (NM_001293191.2); c.181G>A, p.Ala61Thr (NM_012222.3); c.-92-74G>A (NM_001350651.2); c.-97-74G>A (NM_001293192.2, NM_001293196.2); c.-156-10G>A (NM_001350650.2); c.116-10G>A (NM_001048171.2, NM_001048173.2, NM_001048174.2 and 1 more transcripts); c.158-7G>A (NM_001293190.2); c.116-7G>A (NM_001048172.2); short protein forms A61T, A64T, A47T.
Identifiers: ClinVar variation 842101 (VCV000842101.9), dbSNP rs1645387931, ClinGen allele CA340136763.

ClinVar aggregate classification (germline): Uncertain significance (1 of 4 stars; one submission).

Conditions:
Familial adenomatous polyposis 2. Also called: FAP type 2; MUTYH Polyposis; COLORECTAL ADENOMATOUS POLYPOSIS, AUTOSOMAL RECESSIVE; ADENOMAS, MULTIPLE COLORECTAL, AUTOSOMAL RECESSIVE; MUTYH-associated polyposis; MUTYH-related attenuated familial adenomatous polyposis. Identifiers: Orphanet 220460, Orphanet 247798, MedGen C3272841, MONDO:0012041, OMIM 608456.

Allele frequency attached by ClinVar (database versions not stated): gnomAD exomes below 0.00001.
gnomAD v4.1: 1 of 1,612,820 alleles (0.000062%); highest among the groups gnomAD compares: Non-Finnish European, 0.000085%; no homozygotes.

Submission:

Labcorp Genetics (formerly Invitae), Labcorp
Classification: Uncertain significance for Familial adenomatous polyposis 2. Last evaluated: 2025-12-21. Review status: criteria provided, single submitter. Criteria: Invitae Variant Classification Sherloc (09022015). Collection method: clinical testing. Allele origin: germline.
Comment: This sequence change replaces alanine, which is neutral and non-polar, with threonine, which is neutral and polar, at codon 64 of the MUTYH protein (p.Ala64Thr). This variant is not present in population databases (gnomAD no frequency). This variant has not been reported in the literature in individuals affected with MUTYH-related conditions. ClinVar contains an entry for this variant (Variation ID: 842101). An algorithm developed to predict the effect of missense changes on protein structure and function outputs the following: PolyPhen-2: "Benign". The threonine amino acid residue is found in multiple mammalian species, which suggests that this missense change does not adversely affect protein function. In summary, the available evidence is currently insufficient to determine the role of this variant in disease. Therefore, it has been classified as a Variant of Uncertain Significance.